The following is an entry in ClinVar:

ClinVar aggregate classification (germline): Uncertain significance (1 of 4 stars; one submission).

Conditions:
Hereditary cancer-predisposing syndrome. Also called: Neoplastic Syndromes, Hereditary; Tumor predisposition; Hereditary neoplastic syndrome; Hereditary Cancer Syndrome. Identifiers: Orphanet 140162, MedGen C0027672, MeSH D009386, MONDO:0015356.

Submission:

Ambry Genetics
Classification: Uncertain significance for Hereditary cancer-predisposing syndrome. Last evaluated: 2024-01-24. Review status: criteria provided, single submitter. Criteria: Ambry Variant Classification Scheme 2023. Collection method: clinical testing. Allele origin: germline.
Comment: The p.W412G variant (also known as c.1234T>G), located in coding exon 8 of the ATM gene, results from a T to G substitution at nucleotide position 1234. The tryptophan at codon 412 is replaced by glycine, an amino acid with highly dissimilar properties. This amino acid position is highly conserved in available vertebrate species. In addition, the in silico prediction for this alteration is inconclusive. Based on the available evidence, the clinical significance of this alteration remains unclear.

NM_000051.4(ATM):c.1234T>G (p.Trp412Gly)

Gene: ATM (ATM serine/threonine kinase; plus strand). Cytogenetic location: 11q22.3.
Variant type: single nucleotide variant.
Coding change: c.1234T>G on transcript NM_000051.4 (MANE Select); coding-DNA position 1234, T replaced by G.
Protein change: p.Trp412Gly; replaces tryptophan 412 with glycine.
Molecular consequence: missense variant.
Genome position (GRCh38, 1-based): chr11:108,249,101, T>G. VCF-style: chr11-108249101-T-G. GRCh37 (hg19) VCF-style: chr11-108119828-T-G.
Other names: c.1234T>G, p.Trp412Gly (NM_001351834.2); short protein forms W412G.
Identifiers: ClinVar variation 3232046 (VCV003232046.1), dbSNP rs587779812, ClinGen allele CA382532664.